The following is an entry in ClinVar:

NM_001040108.2(MLH3):c.3465+2T>C

Gene: MLH3 (mutL homolog 3; minus strand). Cytogenetic location: 14q24.3.
Variant type: single nucleotide variant.
Coding change: c.3465+2T>C on transcript NM_001040108.2 (MANE Select); the canonical splice donor site of the intron after coding-DNA position 3465, T replaced by C.
Molecular consequence: splice donor variant.
Genome position (GRCh38, 1-based): chr14:75,041,613, A>G on the plus strand (T>C on the coding strand, the complement: MLH3 is on the minus strand). VCF-style: chr14-75041613-A-G. GRCh37 (hg19) VCF-style: chr14-75508316-A-G.
Other names: c.3465+2T>C (NM_014381.3).
Identifiers: ClinVar variation 4860153 (VCV004860153.1).
Genomic context (GRCh38, chr14:75,041,613, plus strand): 5'-TTTAAAAAATAAGAAGAAGAAGAAGAAAAAAAAAAGGCAAAGAAAAACTGCTACAGACCC[A>G]CCTCTGGATAACGGGCAAATACTGGATTGTCCCATTCTGAGAACAAAGACTGAAGCGATT-3'

ClinVar aggregate classification (germline): Uncertain significance (1 of 4 stars; one submission).

gnomAD v4.1: 1 of 1,611,130 alleles (0.000062%); highest among the groups gnomAD compares: African/African-American, 0.0013%; no homozygotes.

Submission:

Ambry Genetics
Classification: Uncertain significance. Last evaluated: 2026-03-17. Review status: criteria provided, single submitter. Criteria: Ambry Variant Classification Scheme 2023. Collection method: clinical testing. Allele origin: germline.
Comment: The c.3465+2T>C intronic variant results from a T to C substitution two nucleotides after coding exon 3 in the MLH3 gene. This nucleotide position is highly conserved in available vertebrate species. In silico splice site analysis predicts that this alteration will weaken the native splice donor site. Based on the available evidence, the clinical significance of this variant remains unclear.